The following is an entry in ClinVar:

NM_016373.4(WWOX):c.46_49del (p.Asp16fs)

Gene: WWOX (WW domain containing oxidoreductase; plus strand). Cytogenetic location: 16q23.1.
Variant type: Deletion.
Coding change: c.46_49del on transcript NM_016373.4 (MANE Select); coding-DNA positions 46 to 49, 4 bases deleted (GACG; older notation c.46_49delGACG).
Protein change: p.Asp16fs; shifts the reading frame from aspartic acid 16.
Molecular consequence: frameshift variant. On other transcripts: non-coding transcript variant (2), 5 prime UTR variant (1).
Genome position (GRCh38, 1-based): chr16:78,099,824-78,099,827, GACG deleted; deleting any 4 consecutive bases within chr16:78,099,823-78,099,827 gives the same sequence; the c. name uses the placement nearest the transcript's 3' end. VCF-style (leftmost placement, unchanged base first): chr16-78099822-AGGAC-A. GRCh37 (hg19) VCF-style: chr16-78133719-AGGAC-A.
Other names: c.46_49del, p.Asp16fs (NM_130791.5); c.-229_-226del (NM_001291997.2); short protein forms D16fs.
Identifiers: ClinVar variation 180250 (VCV000180250.10), dbSNP rs730880291, ClinGen allele CA213107.

ClinVar aggregate classification (germline): Pathogenic. Review status: criteria provided, single submitter (1 of 4 stars). 2 submissions from 2 submitters: Pathogenic (1). 1 of the submissions does not count toward it. Last evaluated 2021-09-07.

Conditions:
Autosomal recessive spinocerebellar ataxia 12. Also called: SPINOCEREBELLAR ATAXIA WITH MENTAL RETARDATION AND EPILEPSY. Identifiers: Orphanet 284282, MedGen C3280452, MONDO:0013687, OMIM 614322.
Developmental and epileptic encephalopathy, 1 (DEE1). Also called: X-linked infantile spasms; West's syndrome; Tonic spasms with clustering, arrest of psychomotor development and hypsarrhythmia on EEG; X-Linked Infantile Spasm Syndrome; Epileptic encephalopathy, early infantile, 1; INFANTILE SPASM SYNDROME, X-LINKED 1. Identifiers: MedGen C3463992, MONDO:0010632, OMIM 308350. Disease mechanism: loss of function.
Developmental and epileptic encephalopathy, 28 (DEE28). Also called: Epileptic encephalopathy, early infantile, 28. Identifiers: Orphanet 442835, MedGen C4015519, MONDO:0014533, OMIM 616211.

Submissions (2):

Labcorp Genetics (formerly Invitae), Labcorp
Classification: Pathogenic for Developmental and epileptic encephalopathy, 1; Autosomal recessive spinocerebellar ataxia 12. Last evaluated: 2021-09-07. Review status: criteria provided, single submitter. Criteria: Invitae Variant Classification Sherloc (09022015). Collection method: clinical testing. Allele origin: germline.
Comment: This sequence change creates a premature translational stop signal (p.Asp16Serfs*63) in the WWOX gene. It is expected to result in an absent or disrupted protein product. Loss-of-function variants in WWOX are known to be pathogenic (PMID: 24456803, 25411445). This variant is not present in population databases (ExAC no frequency). This variant has been observed in individual(s) with infantile epileptic encephalopathy (PMID: 25411445). It has also been observed to segregate with disease in related individuals. ClinVar contains an entry for this variant (Variation ID: 180250). For these reasons, this variant has been classified as Pathogenic.

OMIM
Classification: Pathogenic for DEVELOPMENTAL AND EPILEPTIC ENCEPHALOPATHY 28. Last evaluated: 2015-01-01. Review status: no assertion criteria provided. Collection method: literature only. Allele origin: germline. Not counted in ClinVar's aggregate classification.

Literature cited by the submitters: PubMed 24456803 (cited by Labcorp Genetics (formerly Invitae), Labcorp); PubMed 25411445 (cited by Labcorp Genetics (formerly Invitae), Labcorp and OMIM).